The following is an entry in ClinVar:

ClinVar aggregate classification (germline): Conflicting classifications of pathogenicity. Review status: criteria provided, conflicting classifications (1 of 4 stars). 6 submissions from 6 submitters: Uncertain significance (4); Likely benign (1). 1 of the submissions does not count toward it. Last evaluated 2025-06-25.

Conditions:
NEFH-related disorder. Also called: NEFH-related condition.
Inborn genetic diseases. Identifiers: MedGen C0950123, MeSH D030342.

Submissions (6):

Labcorp Genetics (formerly Invitae), Labcorp
Classification: Uncertain significance. Last evaluated: 2025-06-25. Review status: criteria provided, single submitter. Criteria: Invitae Variant Classification Sherloc (09022015). Collection method: clinical testing. Allele origin: germline.
Comment: This sequence change creates a premature translational stop signal (p.Val157Argfs*115) in the NEFH gene. It is expected to result in an absent or disrupted protein product. However, the current clinical and genetic evidence is not sufficient to establish whether loss-of-function variants in NEFH cause disease. This variant is present in population databases (rs763364083, gnomAD 0.01%). This variant has not been reported in the literature in individuals affected with NEFH-related conditions. ClinVar contains an entry for this variant (Variation ID: 493338). In summary, the available evidence is currently insufficient to determine the role of this variant in disease. Therefore, it has been classified as a Variant of Uncertain Significance.

Blueprint Genetics
Classification: Likely benign. Last evaluated: 2024-10-17. Review status: criteria provided, single submitter. Criteria: ACMG Guidelines, 2015. Collection method: clinical testing. Allele origin: germline.

CeGaT Center for Human Genetics Tuebingen
Classification: Uncertain significance. Last evaluated: 2022-07-01. Review status: criteria provided, single submitter. Criteria: CeGaT Center For Human Genetics Tuebingen Variant Classification Criteria Version 2. Collection method: clinical testing. Allele origin: germline. Affected: yes. Observed: 2 variant alleles.
Comment: NEFH: PVS1, BS2

Ambry Genetics
Classification: Uncertain significance for Inborn genetic diseases. Last evaluated: 2021-03-18. Review status: criteria provided, single submitter. Criteria: Ambry Variant Classification Scheme 2023. Collection method: clinical testing. Allele origin: germline.
Comment: The c.469_491del23 variant, located in coding exon 1 of the NEFH gene, results from a deletion of 23 nucleotides at nucleotide positions 469 to 491, causing a translational frameshift with a predicted alternate stop codon (p.V157Rfs*115). This alteration is expected to result in premature protein truncation or nonsense-mediated mRNA decay. However, loss of function of NEFH has not been clearly established as a mechanism of disease. Based on data from gnomAD, this variant has an overall frequency of 0.006% (8/134,148) total alleles studied. The highest observed frequency was 0.01% (1/9,790) of East Asian alleles. Since supporting evidence is limited at this time, the clinical significance of this alteration remains unclear.

ARUP Laboratories, Molecular Genetics and Genomics, ARUP Laboratories
Classification: Uncertain significance. Review status: criteria provided, single submitter. Criteria: ARUP Molecular Germline Variant Investigation Process 2024. Collection method: clinical testing. Allele origin: germline.

PreventionGenetics, part of Exact Sciences
Classification: Uncertain significance for NEFH-related condition. Last evaluated: 2024-01-05. Review status: no assertion criteria provided. Collection method: clinical testing. Allele origin: germline. Not counted in ClinVar's aggregate classification.
Comment: The NEFH c.469_491del23 variant is predicted to result in a frameshift and premature protein termination (p.Val157Argfs*115). To our knowledge, this variant has not been reported in the literature. This variant is reported in 0.010% of alleles in individuals of East Asian descent in gnomAD. This predicted protein-truncating variant is located in exon 1 of 4. Although we suspect that this variant may be pathogenic, at this time, the clinical significance of this variant is uncertain due to the absence of conclusive functional and genetic evidence.

NM_021076.4(NEFH):c.469_491del (p.Val157fs)

Gene: NEFH (neurofilament heavy chain; plus strand). Cytogenetic location: 22q12.2.
Variant type: Deletion.
Coding change: c.469_491del on transcript NM_021076.4 (MANE Select); coding-DNA positions 469 to 491, 23 bases deleted (GTGCTGCGCCTGGGCGCGGCGCG).
Protein change: p.Val157fs; shifts the reading frame from valine 157.
Molecular consequence: frameshift variant.
Genome position (GRCh38, 1-based): chr22:29,480,731-29,480,753, GTGCTGCGCCTGGGCGCGGCGCG deleted; deleting any 23 consecutive bases within chr22:29,480,721-29,480,753 gives the same sequence; the c. name uses the placement nearest the transcript's 3' end. VCF-style (leftmost placement, unchanged base first): chr22-29480720-TGCGCGGCGCGGTGCTGCGCCTGG-T. GRCh37 (hg19) VCF-style: chr22-29876709-TGCGCGGCGCGGTGCTGCGCCTGG-T.
Other names: short protein forms V157fs.
Identifiers: ClinVar variation 493338 (VCV000493338.52), dbSNP rs763364083, ClinGen allele CA10174021.